The following is an entry in ClinVar:

ClinVar aggregate classification (germline): Uncertain significance (1 of 4 stars; one submission).

Submission:

Labcorp Genetics (formerly Invitae), Labcorp
Classification: Uncertain significance. Last evaluated: 2020-10-20. Review status: criteria provided, single submitter. Criteria: Invitae Variant Classification Sherloc (09022015). Collection method: clinical testing. Allele origin: germline.
Comment: This sequence change replaces glutamine with histidine at codon 781 of the CTNNA1 protein (p.Gln781His). The glutamine residue is highly conserved and there is a small physicochemical difference between glutamine and histidine. This variant is not present in population databases (ExAC no frequency). In summary, the available evidence is currently insufficient to determine the role of this variant in disease. Therefore, it has been classified as a Variant of Uncertain Significance. Algorithms developed to predict the effect of missense changes on protein structure and function are either unavailable or do not agree on the potential impact of this missense change (SIFT: "Deleterious"; PolyPhen-2: "Probably Damaging"; Align-GVGD: "Class C0"). This variant has not been reported in the literature in individuals with CTNNA1-related conditions.

NM_001903.5(CTNNA1):c.2343A>C (p.Gln781His)

Gene: CTNNA1 (catenin alpha 1; plus strand). Cytogenetic location: 5q31.2.
Variant type: single nucleotide variant.
Coding change: c.2343A>C on transcript NM_001903.5 (MANE Select); coding-DNA position 2343, A replaced by C.
Protein change: p.Gln781His; replaces glutamine 781 with histidine.
Molecular consequence: missense variant. On other transcripts: intron variant (1).
Genome position (GRCh38, 1-based): chr5:138,932,622, A>C. VCF-style: chr5-138932622-A-C. GRCh37 (hg19) VCF-style: chr5-138268311-A-C.
Other names: c.2343A>C, p.Gln781His (NM_001290307.3, NM_001323982.2, NM_001323983.1 and 2 more transcripts); c.2034A>C, p.Gln678His (NM_001290309.3); c.1974A>C, p.Gln658His (NM_001290310.3); c.1233A>C, p.Gln411His (NM_001290312.1, NM_001323987.1, NM_001323988.1 and 16 more transcripts); c.2250A>C, p.Gln750His (NM_001323986.2); c.894A>C, p.Gln298His (NM_001324006.1, NM_001324007.1, NM_001324008.1 and 2 more transcripts); c.1140A>C, p.Gln380His (NM_001324011.1); c.990A>C, p.Gln330His (NM_001324012.1, NM_001324013.1); and 1 more; short protein forms Q298H, Q330H, Q380H, Q411H, Q658H, Q678H, Q750H, Q781H.
Identifiers: ClinVar variation 1016983 (VCV001016983.8), dbSNP rs75050399, ClinGen allele CA361134367.